The following is an entry in ClinVar:

ClinVar aggregate classification (germline): Conflicting classifications of pathogenicity. Review status: criteria provided, conflicting classifications (1 of 4 stars). 4 submissions from 4 submitters: Uncertain significance (3); Likely benign (1). Last evaluated 2026-09-15.

Conditions:
KBTBD13-related disorder. Also called: KBTBD13-related condition.
Inborn genetic diseases. Identifiers: MedGen C0950123, MeSH D030342.
Nemaline myopathy 6 (NEM6). Also called: Nemaline myopathy 6, autosomal dominant. Identifiers: Orphanet 171439, MedGen C1836472, MONDO:0012237, OMIM 609273.

Allele frequency attached by ClinVar (database versions not stated): 1000 Genomes Project 30x 0.00016; TOPMed 0.00019.

Submissions (4):

PreventionGenetics, part of Exact Sciences
Classification: Uncertain significance for KBTBD13-related condition. Last evaluated: 2026-09-15. Review status: criteria provided, single submitter. Criteria: ACMG Guidelines, 2015. Collection method: clinical testing. Allele origin: germline.
Comment: The KBTBD13 c.98G>A variant is predicted to result in the amino acid substitution p.Arg33Gln. To our knowledge, this variant has not been reported in the literature. This variant is reported in 0.037% of alleles in individuals of European (Non-Finnish) descent in gnomAD, which is likely too common to be a primary cause of disease. Although we suspect that this variant may be benign, at this time, the clinical significance of this variant is uncertain due to the absence of conclusive functional and genetic evidence.

Labcorp Genetics (formerly Invitae), Labcorp
Classification: Uncertain significance for Nemaline myopathy 6. Last evaluated: 2025-11-26. Review status: criteria provided, single submitter. Criteria: Invitae Variant Classification Sherloc (09022015). Collection method: clinical testing. Allele origin: germline.
Comment: This sequence change replaces arginine, which is basic and polar, with glutamine, which is neutral and polar, at codon 33 of the KBTBD13 protein (p.Arg33Gln). This variant is present in population databases (rs200548009, gnomAD 0.04%), and has an allele count higher than expected for a pathogenic variant. This variant has not been reported in the literature in individuals affected with KBTBD13-related conditions. ClinVar contains an entry for this variant (Variation ID: 464365). Invitae Evidence Modeling of protein sequence and biophysical properties (such as structural, functional, and spatial information, amino acid conservation, physicochemical variation, residue mobility, and thermodynamic stability) indicates that this missense variant is not expected to disrupt KBTBD13 protein function with a negative predictive value of 80%. In summary, the available evidence is currently insufficient to determine the role of this variant in disease. Therefore, it has been classified as a Variant of Uncertain Significance.

Ambry Genetics
Classification: Uncertain significance for Inborn genetic diseases. Last evaluated: 2025-08-22. Review status: criteria provided, single submitter. Criteria: Ambry Variant Classification Scheme 2023. Collection method: clinical testing. Allele origin: germline.

Blueprint Genetics
Classification: Likely benign. Last evaluated: 2024-10-28. Review status: criteria provided, single submitter. Criteria: ACMG Guidelines, 2015. Collection method: clinical testing. Allele origin: germline.

NM_001101362.3(KBTBD13):c.98G>A (p.Arg33Gln)

Gene: KBTBD13 (kelch repeat and BTB domain containing 13; plus strand). Cytogenetic location: 15q22.31.
Variant type: single nucleotide variant.
Coding change: c.98G>A on transcript NM_001101362.3 (MANE Select); coding-DNA position 98, G replaced by A.
Protein change: p.Arg33Gln; replaces arginine 33 with glutamine.
Molecular consequence: missense variant.
Genome position (GRCh38, 1-based): chr15:65,076,913, G>A. VCF-style: chr15-65076913-G-A. GRCh37 (hg19) VCF-style: chr15-65369251-G-A.
Other names: short protein forms R33Q.
Identifiers: ClinVar variation 464365 (VCV000464365.16), dbSNP rs200548009, ClinGen allele CA7613861.